The following is an entry in ClinVar:

ClinVar aggregate classification (germline): Uncertain significance. Review status: criteria provided, multiple submitters, no conflicts (2 of 4 stars). 2 submissions from 2 submitters: Uncertain significance (2). Last evaluated 2025-01-24.

Conditions:
Lowe syndrome (OCRL). Also called: LOWE OCULOCEREBRORENAL SYNDROME; PHOSPHATIDYLINOSITOL 4,5-BISPHOSPHATE 5-PHOSPHATASE DEFICIENCY; Oculocerebrorenal Syndrome. Identifiers: Orphanet 534, MedGen C0028860, MONDO:0010645, OMIM 309000.

Submissions (2):

GeneDx
Classification: Uncertain significance. Last evaluated: 2025-01-24. Review status: criteria provided, single submitter. Criteria: GeneDx Variant Classification Process June 2021. Collection method: clinical testing. Allele origin: germline. Affected: yes.
Comment: Not observed at significant frequency in large population cohorts (gnomAD); In silico analysis supports that this missense variant has a deleterious effect on protein structure/function; Has not been previously published as pathogenic or benign to our knowledge

Labcorp Genetics (formerly Invitae), Labcorp
Classification: Uncertain significance for Lowe syndrome. Last evaluated: 2022-09-21. Review status: criteria provided, single submitter. Criteria: Invitae Variant Classification Sherloc (09022015). Collection method: clinical testing. Allele origin: germline.
Comment: This variant is not present in population databases (gnomAD no frequency). In summary, the available evidence is currently insufficient to determine the role of this variant in disease. Therefore, it has been classified as a Variant of Uncertain Significance. Advanced modeling of protein sequence and biophysical properties (such as structural, functional, and spatial information, amino acid conservation, physicochemical variation, residue mobility, and thermodynamic stability) has been performed at Invitae for this missense variant, however the output from this modeling did not meet the statistical confidence thresholds required to predict the impact of this variant on OCRL protein function. This variant has not been reported in the literature in individuals affected with OCRL-related conditions. This sequence change replaces glycine, which is neutral and non-polar, with arginine, which is basic and polar, at codon 505 of the OCRL protein (p.Gly505Arg).

NM_000276.4(OCRL):c.1513G>A (p.Gly505Arg)

Gene: OCRL (OCRL inositol polyphosphate-5-phosphatase; plus strand). Cytogenetic location: Xq26.1.
Variant type: single nucleotide variant.
Coding change: c.1513G>A on transcript NM_000276.4 (MANE Select); coding-DNA position 1513, G replaced by A.
Protein change: p.Gly505Arg; replaces glycine 505 with arginine.
Molecular consequence: missense variant.
Genome position (GRCh38, 1-based): chrX:129,569,310, G>A. VCF-style: chrX-129569310-G-A. GRCh37 (hg19) VCF-style: chrX-128703287-G-A.
Other names: c.1513G>A (NM_000276.3); c.1516G>A, p.Gly506Arg (NM_001318784.2); c.1513G>A, p.Gly505Arg (NM_001587.4); short protein forms G505R, G506R.
Identifiers: ClinVar variation 1716522 (VCV001716522.6), dbSNP rs2521906225, ClinGen allele CA414616395.